The following is an entry in ClinVar:

ClinVar aggregate classification (germline): Uncertain significance (1 of 4 stars; one submission).

Submission:

Athena Diagnostics
Classification: Uncertain significance. Last evaluated: 2025-05-29. Review status: criteria provided, single submitter. Criteria: Athena Diagnostics Criteria. Collection method: clinical testing. Allele origin: unknown.
Comment: Available data are insufficient to determine the clinical significance of the variant at this time. This variant has not been reported in large, multi-ethnic general populations. This variant is not expected to cause loss of protein expression through nonsense-mediated decay. However, it is unclear if protein function will be affected. Computational tools yielded predictions that this variant is unlikely to have an effect on normal RNA splicing.

NM_015046.7(SETX):c.7870_7871dup (p.Asp2624fs)

Gene: SETX (senataxin; minus strand). Cytogenetic location: 9q34.13.
Variant type: Duplication.
Coding change: c.7870_7871dup on transcript NM_015046.7 (MANE Select); coding-DNA positions 7870 to 7871, 2 bases duplicated (GA; older notation c.7870_7871dupGA).
Protein change: p.Asp2624fs; shifts the reading frame from aspartic acid 2624.
Molecular consequence: frameshift variant.
Genome position (GRCh38, 1-based): chr9:132,264,402-132,264,403, TC duplicated on the plus strand (GA on the coding strand, the reverse complement: SETX is on the minus strand). VCF-style (leftmost placement, unchanged base first): chr9-132264401-G-GTC. GRCh37 (hg19) VCF-style: chr9-135139788-G-GTC.
Other names: c.7870_7871dup, p.Asp2624fs (NM_001351527.2); c.7957_7958dup, p.Asp2653fs (NM_001351528.2); short protein forms D2624fs, D2653fs.
Identifiers: ClinVar variation 4682197 (VCV004682197.1).